The following is an entry in ClinVar:

NM_005708.5(GPC6):c.*255G>A

Gene: GPC6 (glypican 6; plus strand). Cytogenetic location: 13q32.1.
Variant type: single nucleotide variant.
Coding change: c.*255G>A on transcript NM_005708.5 (MANE Select); 255 bases downstream of the stop codon, G replaced by A.
Molecular consequence: 3 prime UTR variant.
Genome position (GRCh38, 1-based): chr13:94,403,472, G>A. VCF-style: chr13-94403472-G-A. GRCh37 (hg19) VCF-style: chr13-95055726-G-A.
Identifiers: ClinVar variation 312559 (VCV000312559.8), dbSNP rs9584224, ClinGen allele CA10634570.

ClinVar aggregate classification (germline): Benign. Review status: criteria provided, multiple submitters, no conflicts (2 of 4 stars). 2 submissions from 2 submitters: Benign (2). Last evaluated 2021-06-20.

Conditions:
Autosomal recessive omodysplasia (OMOD1). Also called: MICROMELIC DYSPLASIA, CONGENITAL, WITH DISLOCATION OF RADIUS. Identifiers: Orphanet 2733, Orphanet 93329, MedGen C1850318, MONDO:0009779, OMIM 258315.

Allele frequency attached by ClinVar (database versions not stated): gnomAD exomes 0.00515; gnomAD 0.03844 and 0.04109; TOPMed 0.04197; 1000 Genomes Project 0.04253; 1000 Genomes Project 30x 0.04575.
gnomAD v4.1: 7,640 of 499,472 alleles (1.5%); highest among the groups gnomAD compares: African/African-American, 13%; 429 homozygotes.

Submissions (2):

GeneDx
Classification: Benign. Last evaluated: 2021-06-20. Review status: criteria provided, single submitter. Criteria: GeneDx Variant Classification Process June 2021. Collection method: clinical testing. Allele origin: germline. Affected: yes.

Illumina Laboratory Services, Illumina
Classification: Benign for Autosomal recessive omodysplasia. Last evaluated: 2018-01-13. Review status: criteria provided, single submitter. Criteria: ICSL Variant Classification Criteria 13 December 2019. Collection method: clinical testing. Allele origin: germline.
Comment: This variant was observed in the ICSL laboratory as part of a predisposition screen in an ostensibly healthy population. It had not been previously curated by ICSL or reported in the Human Gene Mutation Database (HGMD: prior to June 1st, 2018), and was therefore a candidate for classification through an automated scoring system. Utilizing variant allele frequency, disease prevalence and penetrance estimates, and inheritance mode, an automated score was calculated to assess if this variant is too frequent to cause the disease. Based on the score and internal cut-off values, a variant classified as benign is not then subjected to further curation. The score for this variant resulted in a classification of benign for this disease.